The following is an entry in ClinVar:

NM_006852.6(TLK2):c.1273G>A (p.Glu425Lys)

Gene: TLK2 (tousled like kinase 2; plus strand). Cytogenetic location: 17q23.2.
Variant type: single nucleotide variant.
Coding change: c.1273G>A on transcript NM_006852.6 (MANE Select); coding-DNA position 1273, G replaced by A.
Protein change: p.Glu425Lys; replaces glutamic acid 425 with lysine.
Molecular consequence: missense variant.
Genome position (GRCh38, 1-based): chr17:62,578,561, G>A. VCF-style: chr17-62578561-G-A. GRCh37 (hg19) VCF-style: chr17-60655922-G-A.
Other names: c.1339G>A, p.Glu447Lys (NM_001284333.3); c.1177G>A, p.Glu393Lys (NM_001284363.1, NM_001375272.1); c.826G>A, p.Glu276Lys (NM_001330418.3, NM_001375273.1); c.1315G>A, p.Glu439Lys (NM_001375269.1); c.1273G>A, p.Glu425Lys (NM_001375270.1, NM_001375271.1); short protein forms E276K, E393K, E425K, E447K, E439K.
Identifiers: ClinVar variation 617932 (VCV000617932.1), dbSNP rs1567959483, ClinGen allele CA400503805.

ClinVar aggregate classification (germline): Uncertain significance (1 of 4 stars; one submission).

Conditions:
Intellectual developmental disorder, autosomal dominant 57. Also called: MENTAL RETARDATION, AUTOSOMAL DOMINANT 57; Intellectual disability, autosomal dominant 57. Identifiers: MedGen C4748003, MONDO:0054837, OMIM 618050.

Submission:

SIB Swiss Institute of Bioinformatics
Classification: Uncertain significance for Intellectual developmental disorder, autosomal dominant 57. Last evaluated: 2018-10-15. Review status: criteria provided, single submitter. Criteria: ACMG Guidelines, 2015. Collection method: curation. Allele origin: germline.
Comment: This variant is interpreted as Uncertain Significance - Insufficient Evidence, for Mental retardation, autosomal dominant 57. The following ACMG Tag(s) were applied: PM2 => Absent from controls (or at extremely low frequency if recessive) in Exome Sequencing Project, 1000 Genomes Project, or Exome Aggregation Consortium. PP3 => Multiple lines of computational evidence support a deleterious effect on the gene or gene product.